The following is an entry in ClinVar:

NM_025099.6(CTC1):c.29C>T (p.Ser10Phe)

Genes: PFAS (phosphoribosylformylglycinamidine synthase; plus strand), CTC1 (CST telomere replication complex component 1; minus strand). Cytogenetic location: 17p13.1.
Variant type: single nucleotide variant.
Coding change: c.29C>T on transcript NM_025099.6 (MANE Select); coding-DNA position 29, C replaced by T.
Protein change: p.Ser10Phe; replaces serine 10 with phenylalanine.
Molecular consequence: missense variant. On other transcripts: non-coding transcript variant (1).
Genome position (GRCh38, 1-based): chr17:8,248,008, G>A on the plus strand (C>T on the coding strand, the complement: CTC1 is on the minus strand). VCF-style: chr17-8248008-G-A. GRCh37 (hg19) VCF-style: chr17-8151326-G-A.
Other names: short protein forms S10F.
Identifiers: ClinVar variation 1022405 (VCV001022405.6), dbSNP rs745686555, ClinGen allele CA8372750.
Genomic context (GRCh38, chr17:8,248,008, plus strand): 5'-AGAGTATCTGTGACAAACAAGAAAAAAGGAACAAGAGACGTAATAGCAGCACTCACGGAG[G>A]AAGGGACCTGGGCCCGGCCAGCCGCCATGATGCGCCGGAGCTCCGCCCCCGGGAGGGGCA-3'
Protein context (NP_079375.3, residues 1-20): MAAGRAQVP[Ser10Phe]SEQAWLEDAQ

ClinVar aggregate classification (germline): Uncertain significance (1 of 4 stars; one submission).

Conditions:
Dyskeratosis congenita. Identifiers: Orphanet 1775, MedGen C0265965, MONDO:0015780.

gnomAD v4.1: 4 of 1,577,602 alleles (0.00025%); highest among the groups gnomAD compares: Middle Eastern, 0.017%; no homozygotes.

Submission:

Labcorp Genetics (formerly Invitae), Labcorp
Classification: Uncertain significance for Dyskeratosis congenita. Last evaluated: 2023-08-24. Review status: criteria provided, single submitter. Criteria: Invitae Variant Classification Sherloc (09022015). Collection method: clinical testing. Allele origin: germline.
Comment: This sequence change replaces serine, which is neutral and polar, with phenylalanine, which is neutral and non-polar, at codon 10 of the CTC1 protein (p.Ser10Phe). ClinVar contains an entry for this variant (Variation ID: 1022405). An algorithm developed to predict the effect of missense changes on protein structure and function (PolyPhen-2) suggests that this variant¬†is likely to be tolerated. In summary, the available evidence is currently insufficient to determine the role of this variant in disease. Therefore, it has been classified as a Variant of Uncertain Significance. This variant is present in population databases (rs745686555, gnomAD 0.006%). This variant has not been reported in the literature in individuals affected with CTC1-related conditions.